The following is an entry in ClinVar:

ClinVar aggregate classification (germline): Uncertain significance (0 of 4 stars; one submission).

Conditions:
PKD1-related disorder. Also called: PKD1-related condition.

Allele frequency attached by ClinVar (database versions not stated): TOPMed below 0.00001; ExAC 0.00001.

Submission:

PreventionGenetics, part of Exact Sciences
Classification: Uncertain significance for PKD1-related condition. Last evaluated: 2023-11-09. Review status: no assertion criteria provided. Collection method: clinical testing. Allele origin: germline.
Comment: The PKD1 c.3881T>C variant is predicted to result in the amino acid substitution p.Leu1294Pro. To our knowledge, this variant has not been reported in the literature. This variant is reported in 0.00094% of alleles in individuals of European (Non-Finnish) descent in gnomAD. At this time, the clinical significance of this variant is uncertain due to the absence of conclusive functional and genetic evidence.

NM_001009944.3(PKD1):c.3881T>C (p.Leu1294Pro)

Gene: PKD1 (polycystin 1, transient receptor potential channel interacting; minus strand). Cytogenetic location: 16p13.3.
Variant type: single nucleotide variant.
Coding change: c.3881T>C on transcript NM_001009944.3 (MANE Select); coding-DNA position 3881, T replaced by C.
Protein change: p.Leu1294Pro; replaces leucine 1294 with proline.
Molecular consequence: missense variant.
Genome position (GRCh38, 1-based): chr16:2,111,286, A>G on the plus strand (T>C on the coding strand, the complement: PKD1 is on the minus strand). VCF-style: chr16-2111286-A-G. GRCh37 (hg19) VCF-style: chr16-2161287-A-G.
Other names: c.3881T>C, p.Leu1294Pro (NM_000296.4); short protein forms L1294P.
Identifiers: ClinVar variation 3045463 (VCV003045463.2), dbSNP rs749430418, ClinGen allele CA7832597.